The following is an entry in ClinVar:

ClinVar aggregate classification (germline): Uncertain significance (1 of 4 stars; one submission).

Conditions:
Hereditary cancer-predisposing syndrome. Also called: Neoplastic Syndromes, Hereditary; Tumor predisposition; Hereditary Cancer Syndrome; Hereditary neoplastic syndrome. Identifiers: Orphanet 140162, MedGen C0027672, MeSH D009386, MONDO:0015356.

gnomAD v4.1: 2 of 1,614,176 alleles (0.00012%); highest among the groups gnomAD compares: South Asian, 0.0011%; no homozygotes.

Submission:

Ambry Genetics
Classification: Uncertain significance for Hereditary cancer-predisposing syndrome. Last evaluated: 2024-11-24. Review status: criteria provided, single submitter. Criteria: Ambry Variant Classification Scheme 2023. Collection method: clinical testing. Allele origin: germline.
Comment: The p.A256T variant (also known as c.766G>A), located in coding exon 7 of the EPCAM gene, results from a G to A substitution at nucleotide position 766. The alanine at codon 256 is replaced by threonine, an amino acid with similar properties. This amino acid position is conserved. In addition, this alteration is predicted to be tolerated by in silico analysis. Since supporting evidence is limited at this time, the clinical significance of this alteration remains unclear.

NM_002354.3(EPCAM):c.766G>A (p.Ala256Thr)

Gene: EPCAM (epithelial cell adhesion molecule; plus strand). Cytogenetic location: 2p21.
Variant type: single nucleotide variant.
Coding change: c.766G>A on transcript NM_002354.3 (MANE Select); coding-DNA position 766, G replaced by A.
Protein change: p.Ala256Thr; replaces alanine 256 with threonine.
Molecular consequence: missense variant.
Genome position (GRCh38, 1-based): chr2:47,379,877, G>A. VCF-style: chr2-47379877-G-A. GRCh37 (hg19) VCF-style: chr2-47607016-G-A.
Other names: short protein forms A256T.
Identifiers: ClinVar variation 1760069 (VCV001760069.4), dbSNP rs864622089, ClinGen allele CA346724681.
Genomic context (GRCh38, chr2:47,379,877, plus strand): 5'-AATGGGGAACAACTGGATCTGGATCCTGGTCAAACTTTAATTTATTATGTTGATGAAAAA[G>A]CACCTGAATTCTCAATGCAGGGTCTAAAAGCTGGTGTTATTGCTGTTATTGTGGTTGTGG-3'
Protein context (NP_002345.2, residues 246-266): QTLIYYVDEK[Ala256Thr]PEFSMQGLKA